The following is an entry in ClinVar:

NM_014956.5(CEP164):c.2617-9T>C

Gene: CEP164 (centrosomal protein 164; plus strand). Cytogenetic location: 11q23.3.
Variant type: single nucleotide variant.
Coding change: c.2617-9T>C on transcript NM_014956.5 (MANE Select); 9 bases into the intron before coding-DNA position 2617, T replaced by C.
Molecular consequence: intron variant.
Genome position (GRCh38, 1-based): chr11:117,394,341, T>C. VCF-style: chr11-117394341-T-C. GRCh37 (hg19) VCF-style: chr11-117265057-T-C.
Other names: c.2626-9T>C (NM_001271933.2, NM_001440949.1); c.2458-9T>C (NM_001440972.1); c.2479-9T>C (NM_001440967.1, NM_001440961.1); c.2530-9T>C (NM_001440956.1, NM_001440957.1); c.2617-9T>C (NM_001440950.1, NM_001440953.1, NM_001440951.1); c.2470-9T>C (NM_001440962.1, NM_001440970.1, NM_001440964.1 and 4 more transcripts); c.2260-9T>C (NM_001440990.1, NM_001440984.1); c.2452-9T>C (NM_001440952.1, NM_001440968.1, NM_001440969.1); and 7 more.
Identifiers: ClinVar variation 4992644 (VCV004992644.1).
Genomic context (GRCh38, chr11:117,394,341, plus strand): 5'-GGGAGCTGTGATTTTTGTGGTAGAAGGGGCTGCCGCAGCTTCCCACCGGTGGGCCCACCC[T>C]CCTTGCAGGAGAGGAAGCAGCGGGCTGAGCTTCTGGGGCACCTGACCGGAGAGCTGGAGC-3'

ClinVar aggregate classification (germline): Likely benign (1 of 4 stars; one submission).

Conditions:
CEP164-related disorder. Also called: CEP164-related condition.

Submission:

PreventionGenetics, part of Exact Sciences
Classification: Likely benign for CEP164-related condition. Last evaluated: 2026-09-14. Review status: criteria provided, single submitter. Criteria: ACMG Guidelines, 2015. Collection method: clinical testing. Allele origin: germline.
Comment: This variant is classified as likely benign based on ACMG/AMP sequence variant interpretation guidelines (Richards et al. 2015 PMID: 25741868, with internal and published modifications).